The following is an entry in ClinVar:

ClinVar aggregate classification (germline): Uncertain significance (1 of 4 stars; one submission).

Conditions:
Inborn genetic diseases. Identifiers: MedGen C0950123, MeSH D030342.

Submission:

Ambry Genetics
Classification: Uncertain significance for Inborn genetic diseases. Last evaluated: 2025-08-02. Review status: criteria provided, single submitter. Criteria: Ambry Variant Classification Scheme 2023. Collection method: clinical testing. Allele origin: germline.
Comment: The p.E891Q variant (also known as c.2671G>C), located in coding exon 11 of the MECOM gene, results from a G to C substitution at nucleotide position 2671. The glutamic acid at codon 891 is replaced by glutamine, an amino acid with highly similar properties. This amino acid position is conserved. In addition, this alteration is predicted to be tolerated by in silico analysis. Based on the available evidence, the clinical significance of this variant remains unclear.

NM_004991.4(MECOM):c.2671G>C (p.Glu891Gln)

Gene: MECOM (MDS1 and EVI1 complex locus; minus strand). Cytogenetic location: 3q26.2.
Variant type: single nucleotide variant.
Coding change: c.2671G>C on transcript NM_004991.4 (MANE Select); coding-DNA position 2671, G replaced by C.
Protein change: p.Glu891Gln; replaces glutamic acid 891 with glutamine.
Molecular consequence: missense variant.
Genome position (GRCh38, 1-based): chr3:169,102,160, C>G on the plus strand (G>C on the coding strand, the complement: MECOM is on the minus strand). VCF-style: chr3-169102160-C-G. GRCh37 (hg19) VCF-style: chr3-168819948-C-G.
Other names: c.2302G>C, p.Glu768Gln (NM_001105077.4); c.2107G>C, p.Glu703Gln (NM_001105078.4, NM_001205194.2, NM_001366469.2 and 1 more transcripts); c.2083G>C, p.Glu695Gln (NM_001163999.2, NM_001366470.2); c.2080G>C, p.Glu694Gln (NM_001164000.2, NM_001366471.2, NM_001366472.2); c.2644G>C, p.Glu882Gln (NM_001366466.2); c.2110G>C, p.Glu704Gln (NM_001366467.2, NM_001366468.2); c.1672G>C, p.Glu558Gln (NM_001366473.2); c.1108G>C, p.Glu370Gln (NM_001366474.2); short protein forms E704Q, E703Q, E768Q, E695Q, E370Q, E558Q, E694Q, E882Q.
Identifiers: ClinVar variation 4105816 (VCV004105816.1).
Genomic context (GRCh38, chr3:169,102,160, plus strand): 5'-CTGGCAGGGCATTGGGAGGCGCCCTGAAGTTGAACATAGAGGGCACTGACTGTAAGAGCT[C>G]ACTGGCCTCAGGTTTCAGGGCACTGAAGCTCTCTAGCTTTTCTGCCATGTTTTCAATAGC-3'
Protein context (NP_004982.2, residues 881-901): SFSALKPEAS[Glu891Gln]LLQSVPSMFN